The following is an entry in ClinVar:

ClinVar aggregate classification (germline): Uncertain significance (1 of 4 stars; one submission).

gnomAD v4.1: 15 of 1,613,930 alleles (0.00093%); highest among the groups gnomAD compares: Admixed American, 0.0067%; no homozygotes.

Submission:

Dasa
Classification: Uncertain significance. Last evaluated: 2026-07-04. Review status: criteria provided, single submitter. Criteria: DASA Assertion Criteria. Collection method: clinical testing. Allele origin: germline.
Comment: NM_001393769.1(MED12L):c.5806C>T (p.Arg1936Trp) is a missense variant that results in the substitution of arginine with tryptophan. This variant is rare in population databases. The currently available literature and clinical evidence are not sufficient to establish a definitive association between this variant and the reported condition. Therefore, this variant is classified as a variant of uncertain significance.

NM_001393769.1(MED12L):c.5806C>T (p.Arg1936Trp)

Gene: MED12L (mediator complex subunit 12L; plus strand). Cytogenetic location: 3q25.1.
Variant type: single nucleotide variant.
Coding change: c.5806C>T on transcript NM_001393769.1 (MANE Select); coding-DNA position 5806, C replaced by T.
Protein change: p.Arg1936Trp; replaces arginine 1936 with tryptophan.
Molecular consequence: missense variant.
Genome position (GRCh38, 1-based): chr3:151,394,853, C>T. VCF-style: chr3-151394853-C-T. GRCh37 (hg19) VCF-style: chr3-151112641-C-T.
Other names: c.5701C>T, p.Arg1901Trp (NM_053002.6); short protein forms R1901W, R1936W.
Identifiers: ClinVar variation 5020241 (VCV005020241.1).
Genomic context (GRCh38, chr3:151,394,853, plus strand): 5'-ATACAGATGAAGCTTCTGCAGCAGCAGCAGCAACAGCGACTTCTCAGGCAAGCCCAGACT[C>T]GGCCTTTCCAACAGGTTTGTCCAGACCCCAGCAATGGAGTCCTTTGCATTTTATTACCTC-3'
Protein context (NP_001380698.1, residues 1926-1946): QQRLLRQAQT[Arg1936Trp]PFQQGQPGDQ